The following is an entry in ClinVar:

ClinVar aggregate classification (germline): Uncertain significance (1 of 4 stars; one submission).

Conditions:
Spastic paraplegia. Identifiers: MedGen C0037772, HP:0001258.

gnomAD v4.1: 3 of 1,602,104 alleles (0.00019%); highest among the groups gnomAD compares: Non-Finnish European, 0.00026%; no homozygotes.

Submission:

Labcorp Genetics (formerly Invitae), Labcorp
Classification: Uncertain significance for Spastic paraplegia. Last evaluated: 2025-01-12. Review status: criteria provided, single submitter. Criteria: Invitae Variant Classification Sherloc (09022015). Collection method: clinical testing. Allele origin: germline.
Comment: This sequence change replaces valine, which is neutral and non-polar, with methionine, which is neutral and non-polar, at codon 516 of the KIF5A protein (p.Val516Met). This variant is not present in population databases (gnomAD no frequency). This variant has not been reported in the literature in individuals affected with KIF5A-related conditions. Invitae Evidence Modeling of protein sequence and biophysical properties (such as structural, functional, and spatial information, amino acid conservation, physicochemical variation, residue mobility, and thermodynamic stability) indicates that this missense variant is not expected to disrupt KIF5A protein function with a negative predictive value of 95%. In summary, the available evidence is currently insufficient to determine the role of this variant in disease. Therefore, it has been classified as a Variant of Uncertain Significance.

NM_004984.4(KIF5A):c.1546G>A (p.Val516Met)

Gene: KIF5A (kinesin family member 5A; plus strand). Cytogenetic location: 12q13.3.
Variant type: single nucleotide variant.
Coding change: c.1546G>A on transcript NM_004984.4 (MANE Select); coding-DNA position 1546, G replaced by A.
Protein change: p.Val516Met; replaces valine 516 with methionine.
Molecular consequence: missense variant.
Genome position (GRCh38, 1-based): chr12:57,572,244, G>A. VCF-style: chr12-57572244-G-A. GRCh37 (hg19) VCF-style: chr12-57966027-G-A.
Other names: c.1279G>A, p.Val427Met (NM_001354705.2); short protein forms V516M, V427M.
Identifiers: ClinVar variation 3704833 (VCV003704833.2).
Genomic context (GRCh38, chr12:57,572,244, plus strand): 5'-GTGAACTATGACCAGAAGTCCCAGGAGGTGGAGGAGAAGAGCCAGCAGAACCAGCTTCTG[G>A]TGGATGAGCTGTCTCAGAAGGTGGTAAGTGGTGTGCCAATGGTCCAACAGCTCCCTGACC-3'
Protein context (NP_004975.2, residues 506-526): EEKSQQNQLL[Val516Met]DELSQKVATM